The following is an entry in ClinVar:

NM_006389.5(HYOU1):c.2198A>G (p.Lys733Arg)

Gene: HYOU1 (hypoxia up-regulated 1; minus strand). Cytogenetic location: 11q23.3.
Variant type: single nucleotide variant.
Coding change: c.2198A>G on transcript NM_006389.5 (MANE Select); coding-DNA position 2198, A replaced by G.
Protein change: p.Lys733Arg; replaces lysine 733 with arginine.
Molecular consequence: missense variant.
Genome position (GRCh38, 1-based): chr11:119,048,531, T>C on the plus strand (A>G on the coding strand, the complement: HYOU1 is on the minus strand). VCF-style: chr11-119048531-T-C. GRCh37 (hg19) VCF-style: chr11-118919243-T-C.
Other names: c.2198A>G, p.Lys733Arg (NM_001130991.3, NM_001411041.1); short protein forms K733R.
Identifiers: ClinVar variation 1915082 (VCV001915082.5), dbSNP rs782284822, ClinGen allele CA229618940.

ClinVar aggregate classification (germline): Uncertain significance (1 of 4 stars; one submission).

Allele frequency attached by ClinVar (database versions not stated): gnomAD exomes below 0.00001.
gnomAD v4.1: 2 of 1,614,090 alleles (0.00012%); highest among the groups gnomAD compares: Admixed American, 0.0033%; no homozygotes.

Submission:

Labcorp Genetics (formerly Invitae), Labcorp
Classification: Uncertain significance. Last evaluated: 2025-11-03. Review status: criteria provided, single submitter. Criteria: Invitae Variant Classification Sherloc (09022015). Collection method: clinical testing. Allele origin: germline.
Comment: This sequence change replaces lysine, which is basic and polar, with arginine, which is basic and polar, at codon 733 of the HYOU1 protein (p.Lys733Arg). This variant is present in population databases (rs782284822, gnomAD 0.003%). This variant has not been reported in the literature in individuals affected with HYOU1-related conditions. ClinVar contains an entry for this variant (Variation ID: 1915082). An algorithm developed to predict the effect of missense changes on protein structure and function (PolyPhen-2) suggests that this variant is likely to be tolerated. In summary, the available evidence is currently insufficient to determine the role of this variant in disease. Therefore, it has been classified as a Variant of Uncertain Significance.